The following is an entry in ClinVar:

ClinVar aggregate classification (germline): Uncertain significance (1 of 4 stars; one submission).

Allele frequency attached by ClinVar (database versions not stated): TOPMed below 0.00001; gnomAD exomes 0.00001.
gnomAD v4.1: 3 of 1,614,032 alleles (0.00019%); highest among the groups gnomAD compares: Non-Finnish European, 0.00025%; no homozygotes.

Submission:

GeneDx
Classification: Uncertain significance. Last evaluated: 2020-02-14. Review status: criteria provided, single submitter. Criteria: GeneDx Variant Classification Process June 2021. Collection method: clinical testing. Allele origin: germline. Affected: yes.
Comment: Not observed in large population cohorts (Lek et al., 2016); In silico analysis supports that this missense variant has a deleterious effect on protein structure/function; Has not been previously published as pathogenic or benign to our knowledge

NM_001024630.4(RUNX2):c.896A>G (p.Tyr299Cys)

Gene: RUNX2 (RUNX family transcription factor 2; plus strand). Cytogenetic location: 6p21.1.
Variant type: single nucleotide variant.
Coding change: c.896A>G on transcript NM_001024630.4 (MANE Select); coding-DNA position 896, A replaced by G.
Protein change: p.Tyr299Cys; replaces tyrosine 299 with cysteine.
Molecular consequence: missense variant.
Genome position (GRCh38, 1-based): chr6:45,512,282, A>G. VCF-style: chr6-45512282-A-G. GRCh37 (hg19) VCF-style: chr6-45480019-A-G.
Other names: c.896A>G, p.Tyr299Cys (NM_001015051.4); c.854A>G, p.Tyr285Cys (NM_001278478.2, NM_001369405.1); short protein forms Y285C, Y299C.
Identifiers: ClinVar variation 1312166 (VCV001312166.2), dbSNP rs1801179599, ClinGen allele CA363955902.